The following is an entry in ClinVar:

NM_001135254.2(PAX7):c.1402+91T>G

Gene: PAX7 (paired box 7; plus strand). Cytogenetic location: 1p36.13.
Variant type: single nucleotide variant.
Coding change: c.1402+91T>G on transcript NM_001135254.2 (MANE Select); 91 bases into the intron after coding-DNA position 1402, T replaced by G.
Molecular consequence: intron variant. On other transcripts: missense variant (2).
Genome position (GRCh38, 1-based): chr1:18,735,969, T>G. VCF-style: chr1-18735969-T-G. GRCh37 (hg19) VCF-style: chr1-19062463-T-G.
Other names: c.1493T>G, p.Val498Gly (NM_002584.3); c.1487T>G, p.Val496Gly (NM_013945.3); short protein forms V498G, V496G.
Identifiers: ClinVar variation 873483 (VCV000873483.4), dbSNP rs2089708295, ClinGen allele CA338295965.

ClinVar aggregate classification (germline): Uncertain significance (1 of 4 stars; one submission).

Conditions:
Myopathy, congenital, progressive, with scoliosis. Also called: CONGENITAL MYOPATHY 19. Identifiers: MedGen C5231417, MONDO:0032821, OMIM 618578.

Submission:

Illumina Laboratory Services, Illumina
Classification: Uncertain significance for Myopathy, congenital, progressive, with scoliosis. Last evaluated: 2020-02-07. Review status: criteria provided, single submitter. Criteria: ICSLVariantClassificationCriteria RUGD 01 April 2020. Collection method: clinical testing. Allele origin: unknown.
Comment: The PAX7 c.1493T>G (p.Val498Gly) variant is a missense variant. A literature search was performed for the gene, cDNA change, and amino acid change. No publications were found based on this search. This variant is not found in the Genome Aggregation Database in a region of good sequence coverage, so the variant is presumed to be rare. Based on the limited evidence, the p.Val498Gly variant is classified as a variant of uknown significance for congenital myopathy with scoliosis.